The following is an entry in ClinVar:

NM_025074.7(FRAS1):c.1677C>T (p.Ser559=)

Gene: FRAS1 (Fraser extracellular matrix complex subunit 1; plus strand). Cytogenetic location: 4q21.21.
Variant type: single nucleotide variant.
Coding change: c.1677C>T on transcript NM_025074.7 (MANE Select); coding-DNA position 1677, C replaced by T.
Protein change: p.Ser559=; no amino-acid change (serine 559 retained).
Molecular consequence: synonymous variant.
Genome position (GRCh38, 1-based): chr4:78,308,208, C>T. VCF-style: chr4-78308208-C-T. GRCh37 (hg19) VCF-style: chr4-79229362-C-T.
Other names: c.1677C>T, p.Ser559= (NM_001166133.2).
Identifiers: ClinVar variation 1911742 (VCV001911742.3), dbSNP rs374815946, ClinGen allele CA2976384.
Genomic context (GRCh38, chr4:78,308,208, plus strand): 5'-AGATGGCGGCTGTGAGAGCAGCTGTGGAAAAGGCTTCTACAACAGGCAGGGCACCTGTAG[C>T]GGTGAGTGCTGGGTTGCGATGCTGACGTGTCCTTTCCTTTTTCTTTTCCAGCATCTCTTG-3'
Protein context (NP_079350.5, residues 549-569): KGFYNRQGTC[Ser559=]ACDQSCDSCG

ClinVar aggregate classification (germline): Uncertain significance. Review status: criteria provided, multiple submitters, no conflicts (2 of 4 stars). 2 submissions from 2 submitters: Uncertain significance (2). Last evaluated 2024-04-22.

Conditions:
Fraser syndrome 1 (FRASRS1). Also called: CRYPTOPHTHALMOS WITH OTHER MALFORMATIONS. Identifiers: Orphanet 2052, MedGen C4551480, MONDO:0054737, OMIM 219000.

Allele frequency attached by ClinVar (database versions not stated): gnomAD 0.00001; ExAC 0.00004; ESP Exome Variant Server 0.00008.
gnomAD v4.1: 14 of 1,613,610 alleles (0.00087%); highest among the groups gnomAD compares: South Asian, 0.0077%; no homozygotes.

Submissions (2):

Fulgent Genetics
Classification: Uncertain significance for Fraser syndrome 1. Last evaluated: 2024-04-22. Review status: criteria provided, single submitter. Criteria: ACMG Guidelines, 2015. Collection method: clinical testing. Allele origin: germline.

Labcorp Genetics (formerly Invitae), Labcorp
Classification: Uncertain significance. Last evaluated: 2022-07-23. Review status: criteria provided, single submitter. Criteria: Invitae Variant Classification Sherloc (09022015). Collection method: clinical testing. Allele origin: germline.
Comment: This sequence change affects codon 559 of the FRAS1 mRNA. It is a 'silent' change, meaning that it does not change the encoded amino acid sequence of the FRAS1 protein. It affects a nucleotide within the consensus splice site. This variant is present in population databases (rs374815946, gnomAD 0.02%). This variant has not been reported in the literature in individuals affected with FRAS1-related conditions. Algorithms developed to predict the effect of sequence changes on RNA splicing suggest that this variant is not likely to affect RNA splicing. In summary, the available evidence is currently insufficient to determine the role of this variant in disease. Therefore, it has been classified as a Variant of Uncertain Significance.